The following is an entry in ClinVar:

NM_006231.4(POLE):c.1306C>G (p.Pro436Ala)

Gene: POLE (DNA polymerase epsilon, catalytic subunit; minus strand). Cytogenetic location: 12q24.33.
Variant type: single nucleotide variant.
Coding change: c.1306C>G on transcript NM_006231.4 (MANE Select); coding-DNA position 1306, C replaced by G.
Protein change: p.Pro436Ala; replaces proline 436 with alanine.
Molecular consequence: missense variant.
Genome position (GRCh38, 1-based): chr12:132,673,628, G>C on the plus strand (C>G on the coding strand, the complement: POLE is on the minus strand). VCF-style: chr12-132673628-G-C. GRCh37 (hg19) VCF-style: chr12-133250214-G-C.
Other names: short protein forms P436A.
Identifiers: ClinVar variation 1769524 (VCV001769524.3), dbSNP rs1565973210, ClinGen allele CA387359368.

ClinVar aggregate classification (germline): Uncertain significance (1 of 4 stars; one submission).

Conditions:
Hereditary cancer-predisposing syndrome. Also called: Hereditary Cancer Syndrome; Hereditary neoplastic syndrome; Neoplastic Syndromes, Hereditary; Tumor predisposition. Identifiers: Orphanet 140162, MedGen C0027672, MeSH D009386, MONDO:0015356.

Submission:

Ambry Genetics
Classification: Uncertain significance for Hereditary cancer-predisposing syndrome. Last evaluated: 2024-05-13. Review status: criteria provided, single submitter. Criteria: Ambry Variant Classification Scheme 2023. Collection method: clinical testing. Allele origin: germline.
Comment: The p.P436A variant (also known as c.1306C>G), located in coding exon 13 of the POLE gene, results from a C to G substitution at nucleotide position 1306. The proline at codon 436 is replaced by alanine, an amino acid with highly similar properties. This amino acid position is highly conserved in available vertebrate species. In addition, the in silico prediction for this alteration is inconclusive. Based on the available evidence, the clinical significance of this variant remains unclear.